The following is an entry in ClinVar:

ClinVar aggregate classification (germline): Likely benign (0 of 4 stars; one submission).

Conditions:
CCDC33-related disorder. Also called: CCDC33-related condition.

Allele frequency attached by ClinVar (database versions not stated): TOPMed 0.00005; gnomAD 0.00018; gnomAD exomes 0.00022; ExAC 0.00075; 1000 Genomes Project 30x 0.00125; 1000 Genomes Project 0.00140.
gnomAD v4.1: 341 of 1,590,856 alleles (0.021%); highest among the groups gnomAD compares: South Asian, 0.35%; 7 homozygotes.

Submission:

PreventionGenetics, part of Exact Sciences
Classification: Likely benign for CCDC33-related condition. Last evaluated: 2022-03-21. Review status: no assertion criteria provided. Collection method: clinical testing. Allele origin: germline.
Comment: This variant is classified as likely benign based on ACMG/AMP sequence variant interpretation guidelines (Richards et al. 2015 PMID: 25741868, with internal and published modifications).

NM_025055.5(CCDC33):c.1454C>T (p.Thr485Met)

Gene: CCDC33 (coiled-coil domain containing 33; plus strand). Cytogenetic location: 15q24.1.
Variant type: single nucleotide variant.
Coding change: c.1454C>T on transcript NM_025055.5 (MANE Select); coding-DNA position 1454, C replaced by T.
Protein change: p.Thr485Met; replaces threonine 485 with methionine.
Molecular consequence: missense variant.
Genome position (GRCh38, 1-based): chr15:74,330,352, C>T. VCF-style: chr15-74330352-C-T. GRCh37 (hg19) VCF-style: chr15-74622693-C-T.
Other names: c.233C>T, p.Thr78Met (NM_001287181.2, NM_182791.4); short protein forms T485M, T78M.
Identifiers: ClinVar variation 3043468 (VCV003043468.2), dbSNP rs201777513, ClinGen allele CA7655817.
Genomic context (GRCh38, chr15:74,330,352, plus strand): 5'-GCCGCCTGGCCCAGCAGGAGGAGGAAGAGGGGCAGGGCAAAGCCAGTGAGGCCCAGAACA[C>T]GGGTGAGGATGTGCAGGCCACCAAGGGCACCCGGGCTTCTGCCTGGGCCCAGGCTCCAGG-3'
Protein context (NP_079331.3, residues 475-495): GQGKASEAQN[Thr485Met]VSMKQKLLLS